The following is an entry in ClinVar:

ClinVar aggregate classification (germline): Pathogenic/Likely pathogenic. Review status: criteria provided, multiple submitters, no conflicts (2 of 4 stars). 2 submissions from 2 submitters: Pathogenic (1); Likely pathogenic (1). Last evaluated 2025-04-08.

Submissions (2):

GeneDx
Classification: Pathogenic. Last evaluated: 2025-04-08. Review status: criteria provided, single submitter. Criteria: GeneDx Variant Classification Process June 2021. Collection method: clinical testing. Allele origin: germline. Affected: yes.
Comment: Not observed at significant frequency in large population cohorts (gnomAD); In silico analysis supports that this missense variant has a deleterious effect on protein structure/function; Has not been previously published as pathogenic or benign to our knowledge; Affects a glycine residue in a Gly-X-Y motif in the triple helical region of the COL4A1 gene, where the majority of pathogenic missense variants occur, and is predicted to disrupt normal protein folding and function (PMIDs 22522439 23225343); This variant is associated with the following publications: (PMID: 22522439, 23225343)

CeGaT Center for Human Genetics Tuebingen
Classification: Likely pathogenic. Last evaluated: 2020-01-01. Review status: criteria provided, single submitter. Criteria: CeGaT Center For Human Genetics Tuebingen Variant Classification Criteria Version 2. Collection method: clinical testing. Allele origin: germline. Affected: yes. Observed: 1 variant allele.

NM_001845.6(COL4A1):c.3932G>A (p.Gly1311Glu)

Gene: COL4A1 (collagen type IV alpha 1 chain; minus strand). Cytogenetic location: 13q34.
Variant type: single nucleotide variant.
Coding change: c.3932G>A on transcript NM_001845.6 (MANE Select); coding-DNA position 3932, G replaced by A.
Protein change: p.Gly1311Glu; replaces glycine 1311 with glutamic acid.
Molecular consequence: missense variant.
Genome position (GRCh38, 1-based): chr13:110,167,175, C>T on the plus strand (G>A on the coding strand, the complement: COL4A1 is on the minus strand). VCF-style: chr13-110167175-C-T. GRCh37 (hg19) VCF-style: chr13-110819522-C-T.
Other names: c.3932G>A (NM_001845.4); short protein forms G1311E.
Identifiers: ClinVar variation 870798 (VCV000870798.41), dbSNP rs1877384330, ClinGen allele CA388661206.